The following is an entry in ClinVar:

ClinVar aggregate classification (germline): Benign/Likely benign. Review status: criteria provided, multiple submitters, no conflicts (2 of 4 stars). 19 submissions from 19 submitters: Benign (7); Likely benign (10). 2 of the submissions do not count toward it. Last evaluated 2026-09-01.

Conditions:
Walker-Warburg congenital muscular dystrophy. Also called: Muscular dystrophy-dystroglycanopathy, type A; Walker-Warburg syndrome. Identifiers: Orphanet 899, MedGen C0265221, MONDO:0000171.
Primary dilated cardiomyopathy (DCM). Also called: Dilated Cardiomyopathy. Identifiers: Orphanet 217604, MedGen C0007193, MeSH D002311, MONDO:0005021, HP:0001644. Inheritance: Various modes of inheritance.
Cardiomyopathy (CMYO). Also called: Cardiomyopathies. Identifiers: Orphanet 167848, MedGen C0878544, MONDO:0004994, HP:0001638. Inheritance: Various modes of inheritance.
Hypertrophic cardiomyopathy. Also called: HYPERTROPHIC MYOCARDIOPATHY. Identifiers: Orphanet 217569, MedGen C0007194, MeSH D002312, MONDO:0005045, HP:0001639.
Cardiovascular phenotype. Identifiers: MedGen CN230736.
Autosomal recessive limb-girdle muscular dystrophy type 2I. Also called: MUSCULAR DYSTROPHY-DYSTROGLYCANOPATHY, LIMB-GIRDLE, FRKP-RELATED; MUSCULAR DYSTROPHY-DYSTROGLYCANOPATHY (LIMB-GIRDLE), TYPE C, 5; MUSCULAR DYSTROPHY, LIMB-GIRDLE, TYPE 2I. Identifiers: Orphanet 34515, MedGen C1846672, MONDO:0011787, OMIM 607155.
Muscular dystrophy-dystroglycanopathy (congenital with brain and eye anomalies), type A5. Also called: WALKER-WARBURG SYNDROME OR MUSCLE-EYE-BRAIN DISEASE, FKRP-RELATED; MUSCULAR DYSTROPHY-DYSTROGLYCANOPATHY (CONGENITAL WITH BRAIN AND EYE ANOMALIES), TYPE A, 5. Identifiers: Orphanet 588, Orphanet 899, MedGen C3150413, MONDO:0013157, OMIM 613153.
Muscular dystrophy-dystroglycanopathy (congenital with brain and eye anomalies), type A1 (MDDGA1). Also called: COD-MD SYNDROME; WALKER-WARBURG SYNDROME OR MUSCLE-EYE-BRAIN DISEASE, POMT1-RELATED; Hydrocephalus, agyria and retinal dysplasia; Hard +/- E syndrome; Warburg syndrome; Chemke syndrome. Identifiers: Orphanet 588, Orphanet 899, MedGen C4284790, MONDO:0009364, OMIM 236670.
Muscular dystrophy-dystroglycanopathy type B5 (MDDGB5). Also called: MUSCULAR DYSTROPHY-DYSTROGLYCANOPATHY (CONGENITAL WITH OR WITHOUT IMPAIRED INTELLECTUAL DEVELOPMENT), TYPE B, 5; MUSCULAR DYSTROPHY, CONGENITAL, 1C; MUSCULAR DYSTROPHY, CONGENITAL, FKRP-RELATED. Identifiers: MedGen C1847759, MONDO:0011688, OMIM 606612.

Allele frequency attached by ClinVar (database versions not stated): 1000 Genomes Project 0.00260; 1000 Genomes Project 30x 0.00344; gnomAD 0.00359 and 0.00364; gnomAD exomes 0.00448 and 0.00542; TOPMed 0.00405; ExAC 0.01043; ESP Exome Variant Server 0.00363.

Submissions (19):

CeGaT Center for Human Genetics Tuebingen
Classification: Benign. Last evaluated: 2026-09-01. Review status: criteria provided, single submitter. Criteria: CeGaT Center For Human Genetics Tuebingen Variant Classification Criteria Version 2. Collection method: clinical testing. Allele origin: germline. Affected: yes. Observed: 30 variant alleles.
Comment: FKRP: PP3, BS1, BS2

Labcorp Genetics (formerly Invitae), Labcorp
Classification: Likely benign for Walker-Warburg congenital muscular dystrophy. Last evaluated: 2026-02-04. Review status: criteria provided, single submitter. Criteria: Invitae Variant Classification Sherloc (09022015). Collection method: clinical testing. Allele origin: germline.

Genomic Medicine Center of Excellence, King Faisal Specialist Hospital and Research Centre
Classification: Likely benign. Last evaluated: 2025-08-18. Review status: criteria provided, single submitter. Criteria: ACMG Guidelines, 2015. Collection method: clinical testing. Allele origin: germline.

Mayo Clinic Laboratories, Mayo Clinic
Classification: Likely benign. Last evaluated: 2025-04-21. Review status: criteria provided, single submitter. Criteria: ACMG Guidelines, 2015. Collection method: clinical testing. Allele origin: germline. Observed: 41 variant alleles.
Comment: BS1, BS2

Molecular Diagnostic Laboratory for Inherited Cardiovascular Disease, Montreal Heart Institute
Classification: Likely benign. Last evaluated: 2025-04-09. Review status: criteria provided, single submitter. Criteria: ACMG Guidelines, 2015. Collection method: clinical testing. Allele origin: germline. Affected: no.

Blueprint Genetics
Classification: Likely benign. Last evaluated: 2024-11-28. Review status: criteria provided, single submitter. Criteria: ACMG Guidelines, 2015. Collection method: clinical testing. Allele origin: germline.

Women's Health and Genetics/Laboratory Corporation of America, LabCorp
Classification: Benign. Last evaluated: 2024-01-29. Review status: criteria provided, single submitter. Criteria: LabCorp Variant Classification Summary - May 2015. Collection method: clinical testing. Allele origin: germline.
Comment: Variant summary: FKRP c.427C>A (p.Arg143Ser) results in a non-conservative amino acid change in the encoded protein sequence. Three of five in-silico tools predict a damaging effect of the variant on protein function. The variant allele was found at a frequency of 0.0052 in 1493634 control chromosomes in the gnomAD database (v4.0.0), including 31 homozygotes. The observed variant frequency is approximately 2 fold of the estimated maximal expected allele frequency for a pathogenic variant in FKRP causing Limb-Girdle Muscular Dystrophy, Autosomal Recessive phenotype (0.0024), strongly suggesting that the variant is benign. c.427C>A has been reported in the literature in individuals affected with Limb-Girdle Muscular Dystrophy, Autosomal Recessive (examples: Sframeli_2017, Brockington_2001). These report(s) do not provide unequivocal conclusions about association of the variant with Limb-Girdle Muscular Dystrophy, Autosomal Recessive. To our knowledge, no experimental evidence demonstrating an impact on protein function has been reported. The following publications have been ascertained in the context of this evaluation (PMID: 28688748, 11741828). ClinVar contains an entry for this variant (Variation ID: 129057). Based on the evidence outlined above, the variant was classified as benign.

ARUP Laboratories, Molecular Genetics and Genomics, ARUP Laboratories
Classification: Likely benign. Last evaluated: 2023-11-22. Review status: criteria provided, single submitter. Criteria: ARUP Molecular Germline Variant Investigation Process 2024. Collection method: clinical testing. Allele origin: germline.

Athena Diagnostics
Classification: Benign. Last evaluated: 2023-11-08. Review status: criteria provided, single submitter. Criteria: Athena Diagnostics Criteria. Collection method: clinical testing. Allele origin: unknown.

Fulgent Genetics
Classification: Likely benign for Muscular dystrophy-dystroglycanopathy (congenital with brain and eye anomalies), type A1; Muscular dystrophy-dystroglycanopathy type B5; Autosomal recessive limb-girdle muscular dystrophy type 2I; Muscular dystrophy-dystroglycanopathy (congenital with brain and eye anomalies), type A5. Last evaluated: 2022-04-13. Review status: criteria provided, single submitter. Criteria: ACMG Guidelines, 2015. Collection method: clinical testing. Allele origin: unknown.

GeneDx
Classification: Benign. Last evaluated: 2019-07-09. Review status: criteria provided, single submitter. Criteria: GeneDx Variant Classification Process June 2021. Collection method: clinical testing. Allele origin: germline. Affected: yes.
Comment: This variant is associated with the following publications: (PMID: 11741828, 16344347, 22451200, 16717227, 18832576, 27884173, 29065428, 28482373, 32403337)

Mendelics
Classification: Benign for Autosomal recessive limb-girdle muscular dystrophy type 2I. Last evaluated: 2019-05-28. Review status: criteria provided, single submitter. Criteria: Mendelics Assertion Criteria 2017. Collection method: clinical testing. Allele origin: unknown.

Center for Advanced Laboratory Medicine, UC San Diego Health, University of California San Diego
Classification: Benign for Cardiomyopathy; Hypertrophic cardiomyopathy; Dilated cardiomyopathy. Last evaluated: 2019-05-14. Review status: criteria provided, single submitter. Criteria: ACMG Guidelines, 2015. Collection method: clinical testing. Allele origin: germline. Affected: yes. Observed: 3 variant alleles.

Ambry Genetics
Classification: Likely benign for Cardiovascular phenotype. Last evaluated: 2018-12-26. Review status: criteria provided, single submitter. Criteria: Ambry Variant Classification Scheme 2023. Collection method: clinical testing. Allele origin: germline.

Genetic Services Laboratory, University of Chicago
Classification: Likely benign. Last evaluated: 2014-12-22. Review status: criteria provided, single submitter. Criteria: ACMG Guidelines, 2015. Collection method: clinical testing. Allele origin: germline.

Eurofins Ntd Llc (ga)
Classification: Benign. Last evaluated: 2014-02-17. Review status: criteria provided, single submitter. Criteria: EGL Classification Definitions 2015. Collection method: clinical testing. Allele origin: germline. Observed: 3 variant alleles, 3 heterozygotes.

Breakthrough Genomics
Classification: Likely benign. Review status: criteria provided, single submitter. Criteria: ACMG Guidelines, 2015. Collection method: not provided. Allele origin: germline. Inheritance: Autosomal recessive inheritance. Affected: yes.

Natera, Inc.
Classification: Benign for Limb-girdle muscular dystrophy type 2I. Last evaluated: 2019-11-08. Review status: no assertion criteria provided. Collection method: clinical testing. Allele origin: germline. Not counted in ClinVar's aggregate classification.

Counsyl
Classification: Likely benign for Autosomal recessive limb-girdle muscular dystrophy type 2I. Last evaluated: 2018-01-30. Review status: no assertion criteria provided. Collection method: clinical testing. Allele origin: unknown. Not counted in ClinVar's aggregate classification.

Literature cited by the submitters: PubMed 11741828 (cited by 4 submitters); PubMed 16717227 (cited by Mayo Clinic Laboratories, Mayo Clinic and Athena Diagnostics); PubMed 22451200 (cited by 3 submitters); PubMed 27884173 (cited by Mayo Clinic Laboratories, Mayo Clinic and Ambry Genetics); PubMed 34426522 (cited by Mayo Clinic Laboratories, Mayo Clinic); PubMed 39408683 (cited by Mayo Clinic Laboratories, Mayo Clinic); PubMed 28688748 (cited by Women's Health and Genetics/Laboratory Corporation of America, LabCorp); PubMed 28482373 (cited by Athena Diagnostics); PubMed 16344347 (cited by 3 submitters); PubMed 17994539 (cited by 3 submitters); PubMed 18832576 (cited by 3 submitters); PubMed 37154180 (cited by Athena Diagnostics); PubMed 32403337 (cited by Athena Diagnostics).

NM_024301.5(FKRP):c.427C>A (p.Arg143Ser)

Gene: FKRP (fukutin related protein; plus strand). Cytogenetic location: 19q13.32.
Variant type: single nucleotide variant.
Coding change: c.427C>A on transcript NM_024301.5 (MANE Select); coding-DNA position 427, C replaced by A.
Protein change: p.Arg143Ser; replaces arginine 143 with serine.
Molecular consequence: missense variant.
Genome position (GRCh38, 1-based): chr19:46,755,877, C>A. VCF-style: chr19-46755877-C-A. GRCh37 (hg19) VCF-style: chr19-47259134-C-A.
Other names: p.R143S:CGC>AGC; c.427C>A, p.Arg143Ser (NM_001039885.3); short protein forms R143S.
Identifiers: ClinVar variation 129057 (VCV000129057.82), dbSNP rs148206382, ClinGen allele CA180039.
Genomic context (GRCh38, chr19:46,755,877, plus strand): 5'-ACCGAGTTTGTGGCCCTAGTACCTGATGGGGCGCGGGCTGAGGCACCTGGCCTGCTGGAG[C>A]GCATGGTGGAGGCGCTCCGCGCAGGAAGCGCACGTCTGGTGGCCGCCCCGGTTGCCACGG-3'
Protein context (NP_077277.1, residues 133-153): ARAEAPGLLE[Arg143Ser]MVEALRAGSA